The following is an entry in ClinVar:

NM_001242896.3(DEPDC5):c.1408C>T (p.Pro470Ser)

Gene: DEPDC5 (DEP domain containing 5, GATOR1 subcomplex subunit; plus strand). Cytogenetic location: 22q12.3.
Variant type: single nucleotide variant.
Coding change: c.1408C>T on transcript NM_001242896.3 (MANE Select); coding-DNA position 1408, C replaced by T.
Protein change: p.Pro470Ser; replaces proline 470 with serine.
Molecular consequence: missense variant. On other transcripts: non-coding transcript variant (5).
Genome position (GRCh38, 1-based): chr22:31,810,604, C>T. VCF-style: chr22-31810604-C-T. GRCh37 (hg19) VCF-style: chr22-32206590-C-T.
Other names: c.1408C>T, p.Pro470Ser (NM_001007188.4, NM_001136029.4, NM_001242897.2 and 7 more transcripts); c.1324C>T, p.Pro442Ser (NM_001369901.1, NM_001369902.1); short protein forms P470S, P442S.
Identifiers: ClinVar variation 572976 (VCV000572976.10), dbSNP rs371312649, ClinGen allele CA10196361.

ClinVar aggregate classification (germline): Uncertain significance. Review status: criteria provided, multiple submitters, no conflicts (2 of 4 stars). 3 submissions from 3 submitters: Uncertain significance (3). Last evaluated 2025-07-06.

Conditions:
Epilepsy, familial focal, with variable foci 1 (FFEVF1). Also called: DEPDC5-Related Epilepsy. Identifiers: MedGen C4551983, MONDO:0024556, OMIM 604364.
Familial focal epilepsy with variable foci (FPEVF). Identifiers: Orphanet 98820, MedGen C1858477, MONDO:0020310.

Allele frequency attached by ClinVar (database versions not stated): gnomAD exomes 0.00001; ExAC 0.00002; gnomAD 0.00005 and 0.00006; TOPMed 0.00006; ESP Exome Variant Server 0.00008.
gnomAD v4.1: 17 of 1,614,068 alleles (0.0011%); highest among the groups gnomAD compares: African/African-American, 0.019%; no homozygotes.

Submissions (3):

Labcorp Genetics (formerly Invitae), Labcorp
Classification: Uncertain significance for Familial focal epilepsy with variable foci. Last evaluated: 2025-07-06. Review status: criteria provided, single submitter. Criteria: Invitae Variant Classification Sherloc (09022015). Collection method: clinical testing. Allele origin: germline.
Comment: This sequence change replaces proline, which is neutral and non-polar, with serine, which is neutral and polar, at codon 470 of the DEPDC5 protein (p.Pro470Ser). This variant is present in population databases (rs371312649, gnomAD 0.02%). This variant has not been reported in the literature in individuals affected with DEPDC5-related conditions. ClinVar contains an entry for this variant (Variation ID: 572976). Experimental studies and prediction algorithms are not available or were not evaluated, and the functional significance of this variant is currently unknown. In summary, the available evidence is currently insufficient to determine the role of this variant in disease. Therefore, it has been classified as a Variant of Uncertain Significance.

GeneDx
Classification: Uncertain significance. Last evaluated: 2024-12-01. Review status: criteria provided, single submitter. Criteria: GeneDx Variant Classification Process June 2021. Collection method: clinical testing. Allele origin: germline. Affected: yes.
Comment: In silico analysis supports that this missense variant has a deleterious effect on protein structure/function; Has not been previously published as pathogenic or benign to our knowledge

CENTOGENE GmbH and LLC - Guiding Precision Medicine
Classification: Uncertain significance for Epilepsy, familial focal, with variable foci 1. Last evaluated: 2019-04-24. Review status: criteria provided, single submitter. Criteria: ACMG Guidelines, 2015. Collection method: clinical testing. Allele origin: germline. Affected: yes.